The following is an entry in ClinVar:

ClinVar aggregate classification (germline): Uncertain significance (1 of 4 stars; one submission).

gnomAD v4.1: 6 of 1,613,928 alleles (0.00037%); highest among the groups gnomAD compares: African/African-American, 0.0027%; no homozygotes.

Submission:

Labcorp Genetics (formerly Invitae), Labcorp
Classification: Uncertain significance. Last evaluated: 2025-11-24. Review status: criteria provided, single submitter. Criteria: Invitae Variant Classification Sherloc (09022015). Collection method: clinical testing. Allele origin: germline.
Comment: This sequence change replaces proline, which is neutral and non-polar, with leucine, which is neutral and non-polar, at codon 275 of the CARD8 protein (p.Pro275Leu). This variant is present in population databases (rs73573000, gnomAD 0.01%). This variant has not been reported in the literature in individuals affected with CARD8-related conditions. ClinVar contains an entry for this variant (Variation ID: 2966026). An algorithm developed to predict the effect of missense changes on protein structure and function outputs the following: PolyPhen-2: "Benign". The leucine amino acid residue is found in multiple mammalian species, which suggests that this missense change does not adversely affect protein function. In summary, the available evidence is currently insufficient to determine the role of this variant in disease. Therefore, it has been classified as a Variant of Uncertain Significance.

NM_001184900.3(CARD8):c.974C>T (p.Pro325Leu)

Gene: CARD8 (caspase recruitment domain family member 8; minus strand). Cytogenetic location: 19q13.33.
Variant type: single nucleotide variant.
Coding change: c.974C>T on transcript NM_001184900.3 (MANE Select); coding-DNA position 974, C replaced by T.
Protein change: p.Pro325Leu; replaces proline 325 with leucine.
Molecular consequence: missense variant. On other transcripts: non-coding transcript variant (4).
Genome position (GRCh38, 1-based): chr19:48,230,499, G>A on the plus strand (C>T on the coding strand, the complement: CARD8 is on the minus strand). VCF-style: chr19-48230499-G-A. GRCh37 (hg19) VCF-style: chr19-48733756-G-A.
Other names: c.824C>T, p.Pro275Leu (NM_001184901.1, NM_001351783.2, NM_001351788.2 and 2 more transcripts); c.974C>T, p.Pro325Leu (NM_001184902.2, NM_001184903.1, NM_001351782.2); c.659C>T, p.Pro220Leu (NM_001351784.2, NM_001351787.2, NM_001351791.2 and 1 more transcripts); c.638C>T, p.Pro213Leu (NM_001351786.2); c.731C>T, p.Pro244Leu (NM_001351790.2); c.656C>T, p.Pro219Leu (NM_001365950.1); c.149C>T, p.Pro50Leu (NM_001426741.1); short protein forms P50L, P213L, P220L, P219L, P244L, P275L, P325L.
Identifiers: ClinVar variation 2966026 (VCV002966026.3), dbSNP rs73573000, ClinGen allele CA9547859.